The following is an entry in ClinVar:

NM_015544.3(TMEM98):c.504C>T (p.His168=)

Gene: TMEM98 (transmembrane protein 98; plus strand). Cytogenetic location: 17q11.2.
Variant type: single nucleotide variant.
Coding change: c.504C>T on transcript NM_015544.3 (MANE Select); coding-DNA position 504, C replaced by T.
Protein change: p.His168=; no amino-acid change (histidine 168 retained).
Molecular consequence: synonymous variant.
Genome position (GRCh38, 1-based): chr17:32,940,816, C>T. VCF-style: chr17-32940816-C-T. GRCh37 (hg19) VCF-style: chr17-31267834-C-T.
Other names: c.504C>T, p.His168= (NM_001033504.2, NM_001301746.2).
Identifiers: ClinVar variation 790428 (VCV000790428.29), dbSNP rs75786524, ClinGen allele CA8494516.

ClinVar aggregate classification (germline): Benign. Review status: criteria provided, multiple submitters, no conflicts (2 of 4 stars). 3 submissions from 3 submitters: Benign (3). Last evaluated 2025-11-01.

Allele frequency attached by ClinVar (database versions not stated): 1000 Genomes Project 30x 0.00328; 1000 Genomes Project 0.00339; ExAC 0.00548; gnomAD exomes 0.00607 and 0.00714; gnomAD 0.00636 and 0.00656; ESP Exome Variant Server 0.00723; TOPMed 0.00779.
gnomAD v4.1: 11,470 of 1,614,136 alleles (0.71%); highest among the groups gnomAD compares: Admixed American, 1.2%; 57 homozygotes.

Submissions (3):

CeGaT Center for Human Genetics Tuebingen
Classification: Benign. Last evaluated: 2025-11-01. Review status: criteria provided, single submitter. Criteria: CeGaT Center For Human Genetics Tuebingen Variant Classification Criteria Version 2. Collection method: clinical testing. Allele origin: germline. Affected: yes. Observed: 3 variant alleles.
Comment: TMEM98: BP4, BP7, BS1, BS2

Labcorp Genetics (formerly Invitae), Labcorp
Classification: Benign. Last evaluated: 2019-12-31. Review status: criteria provided, single submitter. Criteria: Invitae Variant Classification Sherloc (09022015). Collection method: clinical testing. Allele origin: germline.

Breakthrough Genomics
Classification: Benign. Review status: criteria provided, single submitter. Criteria: ACMG Guidelines, 2015. Collection method: not provided. Allele origin: germline. Inheritance: Autosomal dominant inheritance. Affected: yes.